The following is an entry in ClinVar:

NM_000548.5(TSC2):c.344G>C (p.Arg115Pro)

Gene: TSC2 (TSC complex subunit 2; plus strand). Cytogenetic location: 16p13.3.
Variant type: single nucleotide variant.
Coding change: c.344G>C on transcript NM_000548.5 (MANE Select); coding-DNA position 344, G replaced by C.
Protein change: p.Arg115Pro; replaces arginine 115 with proline.
Molecular consequence: missense variant. On other transcripts: intron variant (1).
Genome position (GRCh38, 1-based): chr16:2,054,303, G>C. VCF-style: chr16-2054303-G-C. GRCh37 (hg19) VCF-style: chr16-2104304-G-C.
Other names: c.344G>C, p.Arg115Pro (NM_001077183.3, NM_001114382.3, NM_001363528.2 and 3 more transcripts); c.233G>C, p.Arg78Pro (NM_001318827.2); c.197G>C, p.Arg66Pro (NM_001318829.2); c.377G>C, p.Arg126Pro (NM_001318832.2); c.-1-1893G>C (NM_001318831.2); short protein forms R66P, R78P, R126P, R115P.
Identifiers: ClinVar variation 823784 (VCV000823784.17), dbSNP rs764529584, ClinGen allele CA394306434.

ClinVar aggregate classification (germline): Uncertain significance. Review status: criteria provided, multiple submitters, no conflicts (2 of 4 stars). 4 submissions from 4 submitters: Uncertain significance (4). Last evaluated 2026-01-27.

Conditions:
Hereditary cancer-predisposing syndrome. Also called: Neoplastic Syndromes, Hereditary; Hereditary Cancer Syndrome; Hereditary neoplastic syndrome; Tumor predisposition. Identifiers: Orphanet 140162, MedGen C0027672, MeSH D009386, MONDO:0015356.
Tuberous sclerosis 2 (TSC2). Identifiers: Orphanet 805, MedGen C1860707, MONDO:0013199, OMIM 613254.
Tuberous sclerosis syndrome (TSC). Also called: Tuberous Sclerosis Complex; Tuberous sclerosis. Identifiers: Orphanet 805, MedGen C0041341, MONDO:0001734.

Submissions (4):

GeneDx
Classification: Uncertain significance. Last evaluated: 2026-01-27. Review status: criteria provided, single submitter. Criteria: GeneDx Variant Classification Process June 2021. Collection method: clinical testing. Allele origin: germline. Affected: yes.
Comment: Not observed at significant frequency in large population cohorts (gnomAD); In silico analysis supports that this missense variant has a deleterious effect on protein structure/function; Has not been previously published as pathogenic or benign to our knowledge; This variant is associated with the following publications: (PMID: 18466115)

Ambry Genetics
Classification: Uncertain significance for Hereditary cancer-predisposing syndrome. Last evaluated: 2025-05-13. Review status: criteria provided, single submitter. Criteria: Ambry Variant Classification Scheme 2023. Collection method: clinical testing. Allele origin: germline.
Comment: The p.R115P variant (also known as c.344G>C), located in coding exon 4 of the TSC2 gene, results from a G to C substitution at nucleotide position 344. The arginine at codon 115 is replaced by proline, an amino acid with dissimilar properties. This amino acid position is well conserved in available vertebrate species. In addition, this alteration is predicted to be deleterious by in silico analysis. Since supporting evidence is limited at this time, the clinical significance of this alteration remains unclear.

Labcorp Genetics (formerly Invitae), Labcorp
Classification: Uncertain significance for Tuberous sclerosis 2. Last evaluated: 2024-03-26. Review status: criteria provided, single submitter. Criteria: Invitae Variant Classification Sherloc (09022015). Collection method: clinical testing. Allele origin: germline.
Comment: This sequence change replaces arginine, which is basic and polar, with proline, which is neutral and non-polar, at codon 115 of the TSC2 protein (p.Arg115Pro). This variant is not present in population databases (gnomAD no frequency). This variant has not been reported in the literature in individuals affected with TSC2-related conditions. ClinVar contains an entry for this variant (Variation ID: 823784). Advanced modeling of protein sequence and biophysical properties (such as structural, functional, and spatial information, amino acid conservation, physicochemical variation, residue mobility, and thermodynamic stability) performed at Invitae indicates that this missense variant is not expected to disrupt TSC2 protein function with a negative predictive value of 95%. In summary, the available evidence is currently insufficient to determine the role of this variant in disease. Therefore, it has been classified as a Variant of Uncertain Significance.

All of Us Research Program, National Institutes of Health
Classification: Uncertain significance for Tuberous sclerosis syndrome. Last evaluated: 2024-03-24. Review status: criteria provided, single submitter. Criteria: ACMG Guidelines, 2015. Collection method: clinical testing. Allele origin: germline. Inheritance: Autosomal dominant inheritance. Observed: 1 variant allele, 1 heterozygote.
Comment: This missense variant replaces arginine with proline at codon 115 of the TSC2 protein. Computational prediction is inconclusive regarding the impact of this variant on protein structure and function (internally defined REVEL score threshold 0.5 < inconclusive < 0.7, PMID: 27666373). To our knowledge, functional studies have not been reported for this variant. This variant has not been reported in individuals affected with tuberous sclerosis complex in the literature. This variant has not been identified in the general population by the Genome Aggregation Database (gnomAD). The available evidence is insufficient to determine the role of this variant in disease conclusively. Therefore, this variant is classified as a Variant of Uncertain Significance.

This study involves interpretation of variants in research participants for the purpose of population health screening. Participant phenotype was not available at the time of variant classification. Additional details can be found in publication PMID: 35346344, PMCID: PMC8962531